The following is an entry in ClinVar:

NM_000142.5(FGFR3):c.1498G>A (p.Ala500Thr)

Gene: FGFR3 (fibroblast growth factor receptor 3; plus strand). Cytogenetic location: 4p16.3.
Variant type: single nucleotide variant.
Coding change: c.1498G>A on transcript NM_000142.5 (MANE Select); coding-DNA position 1498, G replaced by A.
Protein change: p.Ala500Thr; replaces alanine 500 with threonine.
Molecular consequence: missense variant. On other transcripts: non-coding transcript variant (1).
Genome position (GRCh38, 1-based): chr4:1,805,440, G>A. VCF-style: chr4-1805440-G-A. GRCh37 (hg19) VCF-style: chr4-1807167-G-A.
Other names: c.1504G>A, p.Ala502Thr (NM_001163213.2); c.1501G>A, p.Ala501Thr (NM_001354809.2, NM_001354810.2); c.1162G>A, p.Ala388Thr (NM_022965.4); c.1498G>A (NM_000142.4); short protein forms A388T, A500T, A501T, A502T.
Identifiers: ClinVar variation 1680079 (VCV001680079.11), dbSNP rs751635116, ClinGen allele CA2810415.

ClinVar aggregate classification (germline): Conflicting classifications of pathogenicity. Review status: criteria provided, conflicting classifications (1 of 4 stars). 3 submissions from 3 submitters: Uncertain significance (1); Likely benign (1). 1 of the submissions does not count toward it. Last evaluated 2026-06-23.

Conditions:
FGFR3-related chondrodysplasia. Identifiers: Orphanet 93420, MedGen C5681604, MONDO:0019685.
FGFR3-related disorder. Also called: FGFR3-related disorders.

Allele frequency attached by ClinVar (database versions not stated): ExAC 0.00004; TOPMed 0.00004; gnomAD exomes 0.00004 and 0.00006.
gnomAD v4.1: 61 of 1,611,720 alleles (0.0038%); highest among the groups gnomAD compares: East Asian, 0.056%; no homozygotes.

Submissions (3):

Genomenon, Inc
Classification: Uncertain significance for FGFR3-related chondrodysplasia. Last evaluated: 2026-06-23. Review status: criteria provided, single submitter. Criteria: Genomenon Sequence Variant Interpretation Standards - Updated. Collection method: curation. Allele origin: germline. Affected: no.
Comment: FGFR3 p.Ala500Thr (c.1498G>A) is a missense variant that changes the amino acid at codon 500 from Alanine to Threonine. This variant has been reported in the published literature (PMID:26992226;32672867). In silico models predict that this variant is not damaging. In conclusion, we classify FGFR3 p.Ala500Thr (c.1498G>A) as a variant of uncertain significance.

Labcorp Genetics (formerly Invitae), Labcorp
Classification: Likely benign. Last evaluated: 2024-09-29. Review status: criteria provided, single submitter. Criteria: Invitae Variant Classification Sherloc (09022015). Collection method: clinical testing. Allele origin: germline.

PreventionGenetics, part of Exact Sciences
Classification: Uncertain significance for FGFR3-related condition. Last evaluated: 2024-02-13. Review status: no assertion criteria provided. Collection method: clinical testing. Allele origin: germline. Not counted in ClinVar's aggregate classification.
Comment: The FGFR3 c.1498G>A variant is predicted to result in the amino acid substitution p.Ala500Thr. To our knowledge, this variant has not been reported in the literature. This variant is reported in 0.060% of alleles in individuals of East Asian descent in gnomAD. Although we suspect that this variant may be benign, at this time, the clinical significance of this variant is uncertain due to the absence of conclusive functional and genetic evidence.

Literature cited by the submitters: PubMed 26992226 (cited by Genomenon, Inc); PubMed 32672867 (cited by Genomenon, Inc).